The following is an entry in ClinVar:

ClinVar aggregate classification (germline): Uncertain significance (1 of 4 stars; one submission).

Submission:

GeneDx
Classification: Uncertain significance. Last evaluated: 2025-05-15. Review status: criteria provided, single submitter. Criteria: GeneDx Variant Classification Process June 2021. Collection method: clinical testing. Allele origin: germline. Affected: yes.
Comment: Not observed at significant frequency in large population cohorts (gnomAD); In silico analysis supports that this missense variant has a deleterious effect on protein structure/function; Has not been previously published as pathogenic or benign to our knowledge

NM_018082.6(POLR3B):c.3199A>G (p.Arg1067Gly)

Genes: POLR3B (RNA polymerase III subunit B; plus strand), LOC100287944 (uncharacterized LOC100287944; minus strand). Cytogenetic location: 12q23.3.
Variant type: single nucleotide variant.
Coding change: c.3199A>G on transcript NM_018082.6 (MANE Select); coding-DNA position 3199, A replaced by G.
Protein change: p.Arg1067Gly; replaces arginine 1067 with glycine.
Molecular consequence: missense variant.
Genome position (GRCh38, 1-based): chr12:106,504,181, A>G. VCF-style: chr12-106504181-A-G. GRCh37 (hg19) VCF-style: chr12-106897959-A-G.
Other names: c.3025A>G, p.Arg1009Gly (NM_001160708.2); short protein forms R1009G, R1067G.
Identifiers: ClinVar variation 4529548 (VCV004529548.1).
Genomic context (GRCh38, chr12:106,504,181, plus strand): 5'-CTCGGGGAAATGGAACGTGACTGTTTAATCGGTTATGGAGCCAGTATGCTTTTGCTAGAG[A>G]GACTAATGATTTCAAGTGATGCCTTTGAGGTTGATGTCTGTGGGCAGTGTGGACTTCTGG-3'
Protein context (NP_060552.4, residues 1057-1077): GYGASMLLLE[Arg1067Gly]LMISSDAFEV